The following is an entry in ClinVar:

ClinVar aggregate classification (germline): Benign/Likely benign. Review status: criteria provided, multiple submitters, no conflicts (2 of 4 stars). 2 submissions from 2 submitters: Benign (1); Likely benign (1). Last evaluated 2025-10-01.

Allele frequency attached by ClinVar (database versions not stated): TOPMed 0.00001; gnomAD exomes 0.00002; gnomAD 0.00003; ExAC 0.00005; 1000 Genomes Project 0.00053; 1000 Genomes Project 30x 0.00062.
gnomAD v4.1: 28 of 1,210,075 alleles (0.0023%); highest among the groups gnomAD compares: East Asian, 0.044%; no homozygotes.

Submissions (2):

CeGaT Center for Human Genetics Tuebingen
Classification: Likely benign. Last evaluated: 2025-10-01. Review status: criteria provided, single submitter. Criteria: CeGaT Center For Human Genetics Tuebingen Variant Classification Criteria Version 2. Collection method: clinical testing. Allele origin: germline. Affected: yes. Observed: 1 variant allele.
Comment: BRWD3: BP4, BP7, BS2

Labcorp Genetics (formerly Invitae), Labcorp
Classification: Benign. Last evaluated: 2024-01-23. Review status: criteria provided, single submitter. Criteria: Invitae Variant Classification Sherloc (09022015). Collection method: clinical testing. Allele origin: germline.

NM_153252.5(BRWD3):c.2508G>A (p.Ser836=)

Gene: BRWD3 (bromodomain and WD repeat domain containing 3; minus strand). Cytogenetic location: Xq21.1.
Variant type: single nucleotide variant.
Coding change: c.2508G>A on transcript NM_153252.5 (MANE Select); coding-DNA position 2508, G replaced by A.
Protein change: p.Ser836=; no amino-acid change (serine 836 retained).
Molecular consequence: synonymous variant.
Genome position (GRCh38, 1-based): chrX:80,707,471, C>T on the plus strand (G>A on the coding strand, the complement: BRWD3 is on the minus strand). VCF-style: chrX-80707471-C-T. GRCh37 (hg19) VCF-style: chrX-79962970-C-T.
Identifiers: ClinVar variation 2968032 (VCV002968032.9), dbSNP rs767078012, ClinGen allele CA10462002.